The following is an entry in ClinVar:

ClinVar aggregate classification (germline): Benign/Likely benign. Review status: criteria provided, multiple submitters, no conflicts (2 of 4 stars). 10 submissions from 10 submitters: Benign (7); Likely benign (1). 2 of the submissions do not count toward it. Last evaluated 2026-02-04.

Conditions:
Congenital muscular dystrophy due to partial LAMA2 deficiency. Identifiers: MedGen C1842898.
LAMA2-related muscular dystrophy (LAMA2-RD). Also called: Laminin alpha 2-related dystrophy. Identifiers: MedGen C5679788, MONDO:0100228.

Allele frequency attached by ClinVar (database versions not stated): ESP Exome Variant Server 0.13901; TOPMed 0.16075; gnomAD 0.16113 and 0.16233; ExAC 0.16825; 1000 Genomes Project 30x 0.18145; 1000 Genomes Project 0.18251.
gnomAD v4.1: 262,456 of 1,612,810 alleles (16%); highest among the groups gnomAD compares: Admixed American, 21%; 21,946 homozygotes.

Submissions (10):

Labcorp Genetics (formerly Invitae), Labcorp
Classification: Benign for LAMA2-related muscular dystrophy. Last evaluated: 2026-02-04. Review status: criteria provided, single submitter. Criteria: Invitae Variant Classification Sherloc (09022015). Collection method: clinical testing. Allele origin: germline.

Blueprint Genetics
Classification: Likely benign. Last evaluated: 2024-11-27. Review status: criteria provided, single submitter. Criteria: ACMG Guidelines, 2015. Collection method: clinical testing. Allele origin: germline.

Mayo Clinic Laboratories, Mayo Clinic
Classification: Benign. Last evaluated: 2018-03-12. Review status: criteria provided, single submitter. Criteria: ACMG Guidelines, 2015. Collection method: clinical testing. Allele origin: germline. Observed: 978 variant alleles.

Illumina Laboratory Services, Illumina
Classification: Benign for Congenital muscular dystrophy due to partial LAMA2 deficiency. Last evaluated: 2018-01-12. Review status: criteria provided, single submitter. Criteria: ICSL Variant Classification Criteria 13 December 2019. Collection method: clinical testing. Allele origin: germline.
Comment: This variant was observed in the ICSL laboratory as part of a predisposition screen in an ostensibly healthy population. It had not been previously curated by ICSL or reported in the Human Gene Mutation Database (HGMD: prior to June 1st, 2018), and was therefore a candidate for classification through an automated scoring system. Utilizing variant allele frequency, disease prevalence and penetrance estimates, and inheritance mode, an automated score was calculated to assess if this variant is too frequent to cause the disease. Based on the score and internal cut-off values, a variant classified as benign is not then subjected to further curation. The score for this variant resulted in a classification of benign for this disease.

Eurofins Ntd Llc (ga)
Classification: Benign. Last evaluated: 2016-01-20. Review status: criteria provided, single submitter. Criteria: EGL Classification Definitions 2015. Collection method: clinical testing. Allele origin: germline. Observed: 24 variant alleles, 22 heterozygotes, 2 homozygotes.

GeneDx
Classification: Benign. Last evaluated: 2016-01-05. Review status: criteria provided, single submitter. Criteria: GeneDx Variant Classification (06012015). Collection method: clinical testing. Allele origin: germline. Affected: yes.
Comment: This variant is considered likely benign or benign based on one or more of the following criteria: it is a conservative change, it occurs at a poorly conserved position in the protein, it is predicted to be benign by multiple in silico algorithms, and/or has population frequency not consistent with disease.

Genetic Services Laboratory, University of Chicago
Classification: Benign for AllHighlyPenetrant. Last evaluated: 2013-08-15. Review status: criteria provided, single submitter. Criteria: ACMG Guidelines, 2007. Collection method: clinical testing. Allele origin: germline. Inheritance: Autosomal recessive inheritance.

PreventionGenetics, part of Exact Sciences
Classification: Benign. Review status: criteria provided, single submitter. Criteria: ACMG Guidelines, 2015. Collection method: clinical testing. Allele origin: germline.

Clinical Genetics, Academic Medical Center
Classification: Benign. Review status: no assertion criteria provided. Collection method: clinical testing. Allele origin: germline. Affected: yes. Study: VKGL Data-share Consensus. Not counted in ClinVar's aggregate classification.

Joint Genome Diagnostic Labs from Nijmegen and Maastricht, Radboudumc and MUMC+
Classification: Benign. Review status: no assertion criteria provided. Collection method: clinical testing. Allele origin: germline. Affected: yes. Study: VKGL Data-share Consensus. Not counted in ClinVar's aggregate classification.

NM_000426.4(LAMA2):c.6237G>A (p.Thr2079=)

Genes: LAMA2 (laminin subunit alpha 2; plus strand), LOC123864065 (Sharpr-MPRA regulatory region 661; plus strand). Cytogenetic location: 6q22.33.
Variant type: single nucleotide variant.
Coding change: c.6237G>A on transcript NM_000426.4 (MANE Select); coding-DNA position 6237, G replaced by A.
Protein change: p.Thr2079=; no amino-acid change (threonine 2079 retained).
Molecular consequence: synonymous variant.
Genome position (GRCh38, 1-based): chr6:129,440,967, G>A. VCF-style: chr6-129440967-G-A. GRCh37 (hg19) VCF-style: chr6-129762112-G-A.
Other names: p.Thr2079=; c.6237G>A, p.Thr2079= (NM_001079823.2).
Identifiers: ClinVar variation 92975 (VCV000092975.28), dbSNP rs2297738, ClinGen allele CA146148.